The following is an entry in ClinVar:

NM_003680.4(YARS1):c.1281dup (p.Pro428fs)

Gene: YARS1 (tyrosyl-tRNA synthetase 1; minus strand). Cytogenetic location: 1p35.1.
Variant type: Duplication.
Coding change: c.1281dup on transcript NM_003680.4 (MANE Select); coding-DNA position 1281, one base duplicated (A; older notation c.1281dupA).
Protein change: p.Pro428fs; shifts the reading frame from proline 428.
Molecular consequence: frameshift variant.
Genome position (GRCh38, 1-based): chr1:32,780,138, T duplicated on the plus strand (A on the coding strand, the reverse complement: YARS1 is on the minus strand); the first of 3 consecutive T bases (chr1:32,780,138-32,780,140); duplicating any one gives the same sequence. VCF-style (leftmost placement, unchanged base first): chr1-32780137-G-GT. GRCh37 (hg19) VCF-style: chr1-33245738-G-GT.
Other names: short protein forms P428fs.
Identifiers: ClinVar variation 970902 (VCV000970902.7), dbSNP rs1653003533, ClinGen allele CA1139656050.

ClinVar aggregate classification (germline): Uncertain significance (1 of 4 stars; one submission).

Conditions:
Charcot-Marie-Tooth disease dominant intermediate C (CMTDIC). Also called: CHARCOT-MARIE-TOOTH NEUROPATHY, DOMINANT INTERMEDIATE C. Identifiers: Orphanet 100045, MedGen C1842237, MONDO:0012012, OMIM 608323.

Submission:

Labcorp Genetics (formerly Invitae), Labcorp
Classification: Uncertain significance for Charcot-Marie-Tooth disease dominant intermediate C. Last evaluated: 2019-10-12. Review status: criteria provided, single submitter. Criteria: Invitae Variant Classification Sherloc (09022015). Collection method: clinical testing. Allele origin: germline.
Comment: In summary, the available evidence is currently insufficient to determine the role of this variant in disease. Therefore, it has been classified as a Variant of Uncertain Significance. The current clinical and genetic evidence is not sufficient to establish whether loss-of-function variants in YARS cause disease. This variant has not been reported in the literature in individuals with YARS-related conditions. This variant is not present in population databases (ExAC no frequency). This sequence change creates a premature translational stop signal (p.Pro428Thrfs*26) in the YARS gene. It is expected to result in an absent or disrupted protein product.